The following is an entry in ClinVar:

ClinVar aggregate classification (germline): Likely benign (1 of 4 stars; one submission).

Conditions:
Malignant hyperthermia, susceptibility to, 1 (MHS1). Also called: Anesthesia related hyperthermia; Malignant hyperpyrexia; Fulminating hyperpyrexia; Pharmacogenic myopathy; Malignant hyperthermia suceptibility 1; RYR1-Related Malignant Hyperthermia Susceptibility. Identifiers: Orphanet 423, MedGen C2930980, MONDO:0007783, OMIM 145600.

Submission:

All of Us Research Program, National Institutes of Health
Classification: Likely benign for Malignant hyperthermia, susceptibility to, 1. Last evaluated: 2024-03-24. Review status: criteria provided, single submitter. Criteria: ACMG Guidelines, 2015. Collection method: clinical testing. Allele origin: germline. Inheritance: Autosomal dominant inheritance. Observed: 1 variant allele, 1 heterozygote.
Comment: This study involves interpretation of variants in research participants for the purpose of population health screening. Participant phenotype was not available at the time of variant classification. Additional details can be found in publication PMID: 35346344, PMCID: PMC8962531

NM_000540.3(RYR1):c.9009C>G (p.Leu3003=)

Gene: RYR1 (ryanodine receptor 1; plus strand). Cytogenetic location: 19q13.2.
Variant type: single nucleotide variant.
Coding change: c.9009C>G on transcript NM_000540.3 (MANE Select); coding-DNA position 9009, C replaced by G.
Protein change: p.Leu3003=; no amino-acid change (leucine 3003 retained).
Molecular consequence: synonymous variant.
Genome position (GRCh38, 1-based): chr19:38,510,668, C>G. VCF-style: chr19-38510668-C-G. GRCh37 (hg19) VCF-style: chr19-39001308-C-G.
Other names: c.9009C>G, p.Leu3003= (NM_001042723.2).
Identifiers: ClinVar variation 3385490 (VCV003385490.1).